The following is an entry in ClinVar:

ClinVar aggregate classification (germline): Benign/Likely benign. Review status: criteria provided, multiple submitters, no conflicts (2 of 4 stars). 9 submissions from 9 submitters: Benign (2); Likely benign (5). 2 of the submissions do not count toward it. Last evaluated 2026-09-01.

Conditions:
FAT4-related disorder. Also called: FAT4-related condition.

Allele frequency attached by ClinVar (database versions not stated): 1000 Genomes Project 0.00160; 1000 Genomes Project 30x 0.00172; gnomAD exomes 0.00387 and 0.00578; ExAC 0.00390; gnomAD 0.00399 and 0.00407; TOPMed 0.00440; ESP Exome Variant Server 0.00577.
gnomAD v4.1: 9,017 of 1,613,996 alleles (0.56%); highest among the groups gnomAD compares: Non-Finnish European, 0.68%; 34 homozygotes.

Submissions (9):

CeGaT Center for Human Genetics Tuebingen
Classification: Likely benign. Last evaluated: 2026-09-01. Review status: criteria provided, single submitter. Criteria: CeGaT Center For Human Genetics Tuebingen Variant Classification Criteria Version 2. Collection method: clinical testing. Allele origin: germline. Affected: yes. Observed: 30 variant alleles.
Comment: FAT4: BP4, BS2

Labcorp Genetics (formerly Invitae), Labcorp
Classification: Benign. Last evaluated: 2026-02-01. Review status: criteria provided, single submitter. Criteria: Invitae Variant Classification Sherloc (09022015). Collection method: clinical testing. Allele origin: germline.

Laboratory of Genetics, Children's Clinical University Hospital Latvia
Classification: Likely benign. Last evaluated: 2025-02-16. Review status: criteria provided, single submitter. Criteria: ACMG Guidelines, 2015. Collection method: clinical testing. Allele origin: germline. Affected: yes.

ARUP Laboratories, Molecular Genetics and Genomics, ARUP Laboratories
Classification: Likely benign. Last evaluated: 2023-10-02. Review status: criteria provided, single submitter. Criteria: ARUP Molecular Germline Variant Investigation Process 2024. Collection method: clinical testing. Allele origin: germline.

GeneDx
Classification: Benign. Last evaluated: 2020-11-23. Review status: criteria provided, single submitter. Criteria: GeneDx Variant Classification Process June 2021. Collection method: clinical testing. Allele origin: germline. Affected: yes.

Genomic Diagnostic Laboratory, Division of Genomic Diagnostics, Children's Hospital of Philadelphia
Classification: Likely benign. Last evaluated: 2015-07-30. Review status: criteria provided, single submitter. Criteria: DGD Variant Analysis Guidelines. Collection method: clinical testing. Allele origin: unknown.

Breakthrough Genomics
Classification: Likely benign. Review status: criteria provided, single submitter. Criteria: ACMG Guidelines, 2015. Collection method: not provided. Allele origin: germline. Inheritance: Autosomal recessive inheritance. Affected: yes.

Genetic Services Laboratory, University of Chicago
Classification: Likely benign. Last evaluated: 2022-08-12. Review status: no assertion criteria provided. Collection method: clinical testing. Allele origin: germline. Affected: no. Not counted in ClinVar's aggregate classification.

PreventionGenetics, part of Exact Sciences
Classification: Likely benign for FAT4-related condition. Last evaluated: 2019-09-05. Review status: no assertion criteria provided. Collection method: clinical testing. Allele origin: germline. Not counted in ClinVar's aggregate classification.
Comment: This variant is classified as likely benign based on ACMG/AMP sequence variant interpretation guidelines (Richards et al. 2015 PMID: 25741868, with internal and published modifications).

NM_001291303.3(FAT4):c.10853C>T (p.Thr3618Met)

Gene: FAT4 (FAT atypical cadherin 4; plus strand). Cytogenetic location: 4q28.1.
Variant type: single nucleotide variant.
Coding change: c.10853C>T on transcript NM_001291303.3 (MANE Select); coding-DNA position 10853, C replaced by T.
Protein change: p.Thr3618Met; replaces threonine 3618 with methionine.
Molecular consequence: missense variant.
Genome position (GRCh38, 1-based): chr4:125,451,863, C>T. VCF-style: chr4-125451863-C-T. GRCh37 (hg19) VCF-style: chr4-126373018-C-T.
Other names: c.10853C>T, p.Thr3618Met (NM_001291285.3); c.10847C>T, p.Thr3616Met (NM_024582.6); short protein forms T3616M, T3618M.
Identifiers: ClinVar variation 252740 (VCV000252740.63), dbSNP rs111423173, ClinGen allele CA3073748.